The following is an entry in ClinVar:

NM_005591.4(MRE11):c.1456_1462dup (p.Arg488fs)

Gene: MRE11 (MRE11 double strand break repair nuclease; minus strand). Cytogenetic location: 11q21.
Variant type: Duplication.
Coding change: c.1456_1462dup on transcript NM_005591.4 (MANE Select); coding-DNA positions 1456 to 1462, 7 bases duplicated (AAAGAAC; older notation c.1456_1462dupAAAGAAC).
Protein change: p.Arg488fs; shifts the reading frame from arginine 488.
Molecular consequence: frameshift variant.
Genome position (GRCh38, 1-based): chr11:94,459,446-94,459,452, GTTCTTT duplicated on the plus strand (AAAGAAC on the coding strand, the reverse complement: MRE11 is on the minus strand). VCF-style (leftmost placement, unchanged base first): chr11-94459445-C-CGTTCTTT. GRCh37 (hg19) VCF-style: chr11-94192611-C-CGTTCTTT.
Other names: c.1456_1462dup, p.Arg488fs (NM_001330347.2, NM_005590.4); short protein forms R488fs.
Identifiers: ClinVar variation 2866565 (VCV002866565.3), dbSNP rs2496384744, ClinGen allele CA2739270775.

ClinVar aggregate classification (germline): Pathogenic (1 of 4 stars; one submission).

Conditions:
Ataxia-telangiectasia-like disorder (ATLD). Identifiers: MedGen C1858391, MONDO:0011457.

Submission:

Labcorp Genetics (formerly Invitae), Labcorp
Classification: Pathogenic for Ataxia-telangiectasia-like disorder. Last evaluated: 2023-05-21. Review status: criteria provided, single submitter. Criteria: Invitae Variant Classification Sherloc (09022015). Collection method: clinical testing. Allele origin: germline.
Comment: This sequence change creates a premature translational stop signal (p.Arg488Glnfs*6) in the MRE11 gene. It is expected to result in an absent or disrupted protein product. Loss-of-function variants in MRE11 are known to be pathogenic (PMID: 23080121, 23912341). For these reasons, this variant has been classified as Pathogenic. This variant has not been reported in the literature in individuals affected with MRE11-related conditions. This variant is not present in population databases (gnomAD no frequency).

Literature cited by the submitters: PubMed 23080121; PubMed 23912341.